The following is an entry in ClinVar:

ClinVar aggregate classification (germline): Likely benign. Review status: criteria provided, multiple submitters, no conflicts (2 of 4 stars). 2 submissions from 2 submitters: Likely benign (2). Last evaluated 2023-11-24.

Conditions:
Bethlem myopathy 1A. Also called: MYOPATHY, BENIGN CONGENITAL, WITH CONTRACTURES; Bethlem Muscular Dystrophy; Bethlem myopathy 1. Identifiers: Orphanet 610, MedGen CN029274, MONDO:0024530, OMIM 158810.

Allele frequency attached by ClinVar (database versions not stated): gnomAD exomes 0.00001.
gnomAD v4.1: 14 of 1,613,338 alleles (0.00087%); highest among the groups gnomAD compares: Non-Finnish European, 0.0012%; no homozygotes.

Submissions (2):

Labcorp Genetics (formerly Invitae), Labcorp
Classification: Likely benign for Bethlem myopathy 1A. Last evaluated: 2023-11-24. Review status: criteria provided, single submitter. Criteria: Invitae Variant Classification Sherloc (09022015). Collection method: clinical testing. Allele origin: germline.

GeneDx
Classification: Likely benign. Last evaluated: 2016-08-03. Review status: criteria provided, single submitter. Criteria: GeneDx Variant Classification (06012015). Collection method: clinical testing. Allele origin: germline. Affected: yes.
Comment: This variant is considered likely benign or benign based on one or more of the following criteria: it is a conservative change, it occurs at a poorly conserved position in the protein, it is predicted to be benign by multiple in silico algorithms, and/or has population frequency not consistent with disease.

NM_001849.4(COL6A2):c.2461+15C>T

Gene: COL6A2 (collagen type VI alpha 2 chain; plus strand). Cytogenetic location: 21q22.3.
Variant type: single nucleotide variant.
Coding change: c.2461+15C>T on transcript NM_001849.4 (MANE Select); 15 bases into the intron after coding-DNA position 2461, C replaced by T.
Molecular consequence: intron variant.
Genome position (GRCh38, 1-based): chr21:46,126,556, C>T. VCF-style: chr21-46126556-C-T. GRCh37 (hg19) VCF-style: chr21-47546470-C-T.
Other names: c.2461+15C>T (NM_058175.3, NM_058174.3).
Identifiers: ClinVar variation 387883 (VCV000387883.4), dbSNP rs1057002808, ClinGen allele CA16608540.